The following is an entry in ClinVar:

ClinVar aggregate classification (germline): Uncertain significance (1 of 4 stars; one submission).

Submission:

Labcorp Genetics (formerly Invitae), Labcorp
Classification: Uncertain significance. Last evaluated: 2022-07-02. Review status: criteria provided, single submitter. Criteria: Invitae Variant Classification Sherloc (09022015). Collection method: clinical testing. Allele origin: germline.
Comment: This sequence change replaces glycine, which is neutral and non-polar, with arginine, which is basic and polar, at codon 29 of the COL9A3 protein (p.Gly29Arg). This variant is not present in population databases (gnomAD no frequency). This variant has not been reported in the literature in individuals affected with COL9A3-related conditions. Advanced modeling of protein sequence and biophysical properties (such as structural, functional, and spatial information, amino acid conservation, physicochemical variation, residue mobility, and thermodynamic stability) performed at Invitae indicates that this missense variant is expected to disrupt COL9A3 protein function. In summary, the available evidence is currently insufficient to determine the role of this variant in disease. Therefore, it has been classified as a Variant of Uncertain Significance.

NM_001853.4(COL9A3):c.85G>A (p.Gly29Arg)

Gene: COL9A3 (collagen type IX alpha 3 chain; plus strand). Cytogenetic location: 20q13.33.
Variant type: single nucleotide variant.
Coding change: c.85G>A on transcript NM_001853.4 (MANE Select); coding-DNA position 85, G replaced by A.
Protein change: p.Gly29Arg; replaces glycine 29 with arginine.
Molecular consequence: missense variant.
Genome position (GRCh38, 1-based): chr20:62,817,573, G>A. VCF-style: chr20-62817573-G-A. GRCh37 (hg19) VCF-style: chr20-61448925-G-A.
Other names: short protein forms G29R.
Identifiers: ClinVar variation 2013128 (VCV002013128.4), dbSNP rs2516017703, ClinGen allele CA409587048.